The following is an entry in ClinVar:

NM_006922.4(SCN3A):c.603-104C>T

Gene: SCN3A (sodium voltage-gated channel alpha subunit 3; minus strand). Cytogenetic location: 2q24.3.
Variant type: single nucleotide variant.
Coding change: c.603-104C>T on transcript NM_006922.4 (MANE Select); 104 bases into the intron before coding-DNA position 603, C replaced by T.
Molecular consequence: intron variant. On other transcripts: missense variant (1).
Genome position (GRCh38, 1-based): chr2:165,163,813, G>A on the plus strand (C>T on the coding strand, the complement: SCN3A is on the minus strand). VCF-style: chr2-165163813-G-A. GRCh37 (hg19) VCF-style: chr2-166020323-G-A.
Other names: c.683C>T, p.Ser228Phe (NM_001081677.2); c.603-104C>T (NM_001081676.2); short protein forms S228F.
Identifiers: ClinVar variation 2228421 (VCV002228421.2), dbSNP rs1279738441, ClinGen allele CA349239693.

ClinVar aggregate classification (germline): Uncertain significance (1 of 4 stars; one submission).

Conditions:
Inborn genetic diseases. Identifiers: MedGen C0950123, MeSH D030342.

Allele frequency attached by ClinVar (database versions not stated): TOPMed below 0.00001.

Submission:

Ambry Genetics
Classification: Uncertain significance for Inborn genetic diseases. Last evaluated: 2020-12-03. Review status: criteria provided, single submitter. Criteria: Ambry Variant Classification Scheme 2023. Collection method: clinical testing. Allele origin: germline.
Comment: The c.683C>T (p.S228F) alteration is located in exon 7 (coding exon 5) of the SCN3A gene. This alteration results from a C to T substitution at nucleotide position 683, causing the serine (S) at amino acid position 228 to be replaced by a phenylalanine (F). The p.S228F alteration is predicted to be deleterious by in silico analysis. Based on insufficient or conflicting evidence, the clinical significance of this alteration remains unclear.